The following is an entry in ClinVar:

NM_198586.3(NHLRC1):c.230del (p.Gly77fs)

Gene: NHLRC1 (NHL repeat containing E3 ubiquitin protein ligase 1; minus strand). Cytogenetic location: 6p22.3.
Variant type: Deletion.
Coding change: c.230del on transcript NM_198586.3 (MANE Select); coding-DNA position 230, one base deleted (G; older notation c.230delG).
Protein change: p.Gly77fs; shifts the reading frame from glycine 77.
Molecular consequence: frameshift variant.
Genome position (GRCh38, 1-based): chr6:18,122,377, C deleted on the plus strand (G on the coding strand, the reverse complement: NHLRC1 is on the minus strand); the first of 4 consecutive C bases (chr6:18,122,377-18,122,380); deleting any one gives the same sequence. VCF-style (leftmost placement, unchanged base first): chr6-18122376-GC-G. GRCh37 (hg19) VCF-style: chr6-18122607-GC-G.
Other names: short protein forms G77fs.
Identifiers: ClinVar variation 2812879 (VCV002812879.3), dbSNP rs2533897871, ClinGen allele CA2677455927.
Genomic context (GRCh38, chr6:18,122,376, plus strand): 5'-AAGCGCTGAGCCCAGGAGCTCTATGAGGTGCAGCACCGGCAGGCAGTCGCTGGTGTCGCA[GC>G]CCCGGCAAGCTCGCCTGCAGAATGGGCACTCGAGGGCCAGAGTGCGCGGGTGCGCCAGGG-3'

ClinVar aggregate classification (germline): Pathogenic (1 of 4 stars; one submission).

Conditions:
Lafora disease. Also called: Epilepsy progressive myoclonic 2; Progressive Myoclonus Epilepsy, Lafora Type. Identifiers: Orphanet 501, MedGen C0751783, MONDO:0009697.

Submission:

Labcorp Genetics (formerly Invitae), Labcorp
Classification: Pathogenic for Lafora disease. Last evaluated: 2023-05-09. Review status: criteria provided, single submitter. Criteria: Invitae Variant Classification Sherloc (09022015). Collection method: clinical testing. Allele origin: germline.
Comment: This variant is not present in population databases (gnomAD no frequency). This sequence change creates a premature translational stop signal (p.Gly77Alafs*14) in the NHLRC1 gene. While this is not anticipated to result in nonsense mediated decay, it is expected to disrupt the last 319 amino acid(s) of the NHLRC1 protein. This variant has not been reported in the literature in individuals affected with NHLRC1-related conditions. For these reasons, this variant has been classified as Pathogenic. This variant disrupts a region of the NHLRC1 protein in which other variant(s) (p.Lys388Serfs*3) have been determined to be pathogenic (PMID: 20738377). This suggests that this is a clinically significant region of the protein, and that variants that disrupt it are likely to be disease-causing.

Literature cited by the submitters: PubMed 20738377.